The following is an entry in ClinVar:

NM_006371.5(CRTAP):c.452T>C (p.Leu151Pro)

Gene: CRTAP (cartilage associated protein; plus strand). Cytogenetic location: 3p22.3.
Variant type: single nucleotide variant.
Coding change: c.452T>C on transcript NM_006371.5 (MANE Select); coding-DNA position 452, T replaced by C.
Protein change: p.Leu151Pro; replaces leucine 151 with proline.
Molecular consequence: missense variant.
Genome position (GRCh38, 1-based): chr3:33,114,529, T>C. VCF-style: chr3-33114529-T-C. GRCh37 (hg19) VCF-style: chr3-33156021-T-C.
Other names: c.452T>C, p.Leu151Pro (NM_001393363.1, NM_001393364.1, NM_001393365.1); short protein forms L151P.
Identifiers: ClinVar variation 1510318 (VCV001510318.8), dbSNP rs1405064021, ClinGen allele CA352008879.

ClinVar aggregate classification (germline): Conflicting classifications of pathogenicity. Review status: criteria provided, conflicting classifications (1 of 4 stars). 3 submissions from 3 submitters: Pathogenic (1); Likely pathogenic (1); Uncertain significance (1). Last evaluated 2025-07-17.

Conditions:
Osteogenesis imperfecta type 7 (OI7). Also called: OSTEOGENESIS IMPERFECTA, TYPE IIB; Osteogenesis imperfecta type 2B; OI type 2B; Osteogenesis imperfecta, perinatal lethal autosomal recessive; OI type IIB; OI type 7. Identifiers: MedGen C1853162, MONDO:0012536, OMIM 610682.

Allele frequency attached by ClinVar (database versions not stated): TOPMed below 0.00001.
gnomAD v4.1: 1 of 1,602,336 alleles (0.000062%); highest among the groups gnomAD compares: Admixed American, 0.0017%; no homozygotes.

Submissions (3):

Women's Health and Genetics/Laboratory Corporation of America, LabCorp
Classification: Uncertain significance. Last evaluated: 2025-07-17. Review status: criteria provided, single submitter. Criteria: LabCorp Variant Classification Summary - May 2015. Collection method: clinical testing. Allele origin: germline.
Comment: Variant summary: CRTAP c.452T>C (p.Leu151Pro) results in a non-conservative amino acid change in the encoded protein sequence. Algorithms developed to predict the effect of missense changes on protein structure and function all suggest that this variant is likely to be disruptive. The frequency data for this variant in gnomAD is considered unreliable, as metrics indicate poor data quality at this position. c.452T>C has been reported in the literature in individuals affected with Osteogenesis Imperfecta (example: Caparros-Martin_2016, internal data). These data indicate that the variant may be associated with disease. To our knowledge, no experimental evidence demonstrating an impact on protein function has been reported. The following publication has been ascertained in the context of this evaluation (PMID: 28116328). ClinVar contains an entry for this variant (Variation ID: 1510318). Based on the evidence outlined above, the variant was classified as VUS-possibly pathogenic.

Labcorp Genetics (formerly Invitae), Labcorp
Classification: Pathogenic for Osteogenesis imperfecta type 7. Last evaluated: 2023-09-06. Review status: criteria provided, single submitter. Criteria: Invitae Variant Classification Sherloc (09022015). Collection method: clinical testing. Allele origin: germline.
Comment: For these reasons, this variant has been classified as Pathogenic. Advanced modeling of protein sequence and biophysical properties (such as structural, functional, and spatial information, amino acid conservation, physicochemical variation, residue mobility, and thermodynamic stability) performed at Invitae indicates that this missense variant is expected to disrupt CRTAP protein function. ClinVar contains an entry for this variant (Variation ID: 1510318). This missense change has been observed in individual(s) with CRTAP-related osteogenesis imperfecta (PMID: 28116328; Invitae). In at least one individual the data is consistent with being in trans (on the opposite chromosome) from a pathogenic variant. This variant is not present in population databases (gnomAD no frequency). This sequence change replaces leucine, which is neutral and non-polar, with proline, which is neutral and non-polar, at codon 151 of the CRTAP protein (p.Leu151Pro).

Laboratorio de Genetica e Diagnostico Molecular, Hospital Israelita Albert Einstein
Classification: Likely pathogenic for Osteogenesis imperfecta type 7. Last evaluated: 2022-04-08. Review status: criteria provided, single submitter. Criteria: ACMG Guidelines, 2015. Collection method: clinical testing. Allele origin: germline. Affected: yes. Observed: 2 variant alleles.
Comment: ACMG classification criteria: PS4 moderated, PM2 moderated, PM3 strong, PP3 supporting

Literature cited by the submitters: PubMed 28116328 (cited by Women's Health and Genetics/Laboratory Corporation of America, LabCorp and Labcorp Genetics (formerly Invitae), Labcorp).